The following is an entry in ClinVar:

NM_000057.4(BLM):c.3497A>G (p.Gln1166Arg)

Gene: BLM (BLM RecQ like helicase; plus strand). Cytogenetic location: 15q26.1.
Variant type: single nucleotide variant.
Coding change: c.3497A>G on transcript NM_000057.4 (MANE Select); coding-DNA position 3497, A replaced by G.
Protein change: p.Gln1166Arg; replaces glutamine 1166 with arginine.
Molecular consequence: missense variant. On other transcripts: intron variant (1).
Genome position (GRCh38, 1-based): chr15:90,803,659, A>G. VCF-style: chr15-90803659-A-G. GRCh37 (hg19) VCF-style: chr15-91346889-A-G.
Other names: c.3497A>G, p.Gln1166Arg (NM_001287246.2); c.2372A>G, p.Gln791Arg (NM_001287248.2); c.3358+5322A>G (NM_001287247.2); short protein forms Q791R, Q1166R.
Identifiers: ClinVar variation 1731993 (VCV001731993.5), dbSNP rs371774802, ClinGen allele CA7739042.
Genomic context (GRCh38, chr15:90,803,659, plus strand): 5'-TTAAAAAGCTGATACTTGACAAGATTTTGGATGAAGACTTATATATCAATGCCAATGACC[A>G]GGCGATCGCTTATGTGATGCTCGGAAATAAAGCCCAAACTGTACTAAATGGCAATTTAAA-3'
Protein context (NP_000048.1, residues 1156-1176): DEDLYINAND[Gln1166Arg]AIAYVMLGNK

ClinVar aggregate classification (germline): Uncertain significance. Review status: criteria provided, multiple submitters, no conflicts (2 of 4 stars). 2 submissions from 2 submitters: Uncertain significance (2). Last evaluated 2024-11-17.

Conditions:
Hereditary cancer-predisposing syndrome. Also called: Neoplastic Syndromes, Hereditary; Tumor predisposition; Hereditary Cancer Syndrome; Hereditary neoplastic syndrome. Identifiers: Orphanet 140162, MedGen C0027672, MeSH D009386, MONDO:0015356.
Bloom syndrome (BLM). Also called: Bloom-Torre-Machacek syndrome. Identifiers: Orphanet 125, MedGen C0005859, MONDO:0008876, OMIM 210900.

Allele frequency attached by ClinVar (database versions not stated): ESP Exome Variant Server 0.00008.

Submissions (2):

Ambry Genetics
Classification: Uncertain significance for Hereditary cancer-predisposing syndrome. Last evaluated: 2024-11-17. Review status: criteria provided, single submitter. Criteria: Ambry Variant Classification Scheme 2023. Collection method: clinical testing. Allele origin: germline.
Comment: The p.Q1166R variant (also known as c.3497A>G), located in coding exon 17 of the BLM gene, results from an A to G substitution at nucleotide position 3497. The glutamine at codon 1166 is replaced by arginine, an amino acid with highly similar properties. This amino acid position is conserved. In addition, this alteration is predicted to be deleterious by in silico analysis. Since supporting evidence is limited at this time, the clinical significance of this alteration remains unclear.

Labcorp Genetics (formerly Invitae), Labcorp
Classification: Uncertain significance for Bloom syndrome. Last evaluated: 2022-04-01. Review status: criteria provided, single submitter. Criteria: Invitae Variant Classification Sherloc (09022015). Collection method: clinical testing. Allele origin: germline.
Comment: This sequence change replaces glutamine, which is neutral and polar, with arginine, which is basic and polar, at codon 1166 of the BLM protein (p.Gln1166Arg). This variant is not present in population databases (gnomAD no frequency). This variant has not been reported in the literature in individuals affected with BLM-related conditions. Algorithms developed to predict the effect of missense changes on protein structure and function are either unavailable or do not agree on the potential impact of this missense change (SIFT: "Tolerated"; PolyPhen-2: "Probably Damaging"; Align-GVGD: "Class C0"). In summary, the available evidence is currently insufficient to determine the role of this variant in disease. Therefore, it has been classified as a Variant of Uncertain Significance.